The following is an entry in ClinVar:

ClinVar aggregate classification (germline): Benign (1 of 4 stars; one submission).

Allele frequency attached by ClinVar (database versions not stated): gnomAD 0.20172 and 0.20415; TOPMed 0.21595; 1000 Genomes Project 0.25938; 1000 Genomes Project 30x 0.26359.
gnomAD v4.1: 30,452 of 151,906 alleles (20%); highest among the groups gnomAD compares: African/African-American, 46%; 5,400 homozygotes.

Submission:

GeneDx
Classification: Benign. Last evaluated: 2018-06-15. Review status: criteria provided, single submitter. Criteria: GeneDx Variant Classification (06012015). Collection method: clinical testing. Allele origin: germline. Affected: yes.
Comment: This variant is considered likely benign or benign based on one or more of the following criteria: it is a conservative change, it occurs at a poorly conserved position in the protein, it is predicted to be benign by multiple in silico algorithms, and/or has population frequency not consistent with disease.

NM_001267550.2(TTN):c.36281-164G>A

Gene: TTN (titin; minus strand). Cytogenetic location: 2q31.2.
Variant type: single nucleotide variant.
Coding change: c.36281-164G>A on transcript NM_001267550.2 (MANE Select); 164 bases into the intron before coding-DNA position 36281, G replaced by A.
Molecular consequence: intron variant.
Genome position (GRCh38, 1-based): chr2:178,664,262, C>T on the plus strand (G>A on the coding strand, the complement: TTN is on the minus strand). VCF-style: chr2-178664262-C-T. GRCh37 (hg19) VCF-style: chr2-179528989-C-T.
Other names: c.13283-21945G>A (NM_003319.4); c.13859-21945G>A (NM_133437.4); c.13658-21945G>A (NM_133432.3); c.31484-1207G>A (NM_133378.4); c.34265-1207G>A (NM_001256850.1).
Identifiers: ClinVar variation 672614 (VCV000672614.1), dbSNP rs2562848, ClinGen allele CA60974413.